The following is an entry in ClinVar:

NM_025114.4(CEP290):c.4394G>A (p.Arg1465Gln)

Gene: CEP290 (centrosomal protein 290; minus strand). Cytogenetic location: 12q21.32.
Variant type: single nucleotide variant.
Coding change: c.4394G>A on transcript NM_025114.4 (MANE Select); coding-DNA position 4394, G replaced by A.
Protein change: p.Arg1465Gln; replaces arginine 1465 with glutamine.
Molecular consequence: missense variant.
Genome position (GRCh38, 1-based): chr12:88,086,082, C>T on the plus strand (G>A on the coding strand, the complement: CEP290 is on the minus strand). VCF-style: chr12-88086082-C-T. GRCh37 (hg19) VCF-style: chr12-88479859-C-T.
Other names: c.4394G>A (NM_025114.3); short protein forms R1465Q.
Identifiers: ClinVar variation 1355747 (VCV001355747.7), dbSNP rs576877716, ClinGen allele CA6711948.

ClinVar aggregate classification (germline): Uncertain significance. Review status: criteria provided, multiple submitters, no conflicts (2 of 4 stars). 3 submissions from 3 submitters: Uncertain significance (3). Last evaluated 2025-09-12.

Conditions:
Joubert syndrome. Also called: Familial aplasia of the vermis; JOUBERT-BOLTSHAUSER SYNDROME. Identifiers: Orphanet 475, MedGen C5979921, MONDO:0018772.
Nephronophthisis. Also called: Juvenile Nephronophthisis. Identifiers: Orphanet 655, MedGen C0687120, MONDO:0019005, HP:0000090.
Meckel-Gruber syndrome. Also called: Dysencephalia splachnocystica; GRUBER SYNDROME; DYSENCEPHALIA SPLANCHNOCYSTICA. Identifiers: Orphanet 564, MedGen C0265215, MONDO:0018921.
CEP290-related disorder. Also called: CEP290-related condition; CEP290-related disorders. Identifiers: MedGen CN239314.
Inborn genetic diseases. Identifiers: MedGen C0950123, MeSH D030342.

Allele frequency attached by ClinVar (database versions not stated): gnomAD 0.00001; TOPMed 0.00001; gnomAD exomes 0.00002; ExAC 0.00004; 1000 Genomes Project 30x 0.00016; 1000 Genomes Project 0.00020.
gnomAD v4.1: 13 of 1,612,672 alleles (0.00081%); highest among the groups gnomAD compares: South Asian, 0.0055%; no homozygotes.

Submissions (3):

PreventionGenetics, part of Exact Sciences
Classification: Uncertain significance for CEP290-related condition. Last evaluated: 2025-09-12. Review status: criteria provided, single submitter. Criteria: ACMG Guidelines, 2015. Collection method: clinical testing. Allele origin: germline.
Comment: The CEP290 c.4394G>A variant is predicted to result in the amino acid substitution p.Arg1465Gln. To our knowledge, this variant has not been reported in the literature. This variant is reported in 0.0093% of alleles in individuals of European (Finnish) descent in gnomAD. At this time, the clinical significance of this variant is uncertain due to the absence of conclusive functional and genetic evidence.

Labcorp Genetics (formerly Invitae), Labcorp
Classification: Uncertain significance for Joubert syndrome; Meckel-Gruber syndrome; Nephronophthisis. Last evaluated: 2024-11-11. Review status: criteria provided, single submitter. Criteria: Invitae Variant Classification Sherloc (09022015). Collection method: clinical testing. Allele origin: germline.
Comment: This sequence change replaces arginine, which is basic and polar, with glutamine, which is neutral and polar, at codon 1465 of the CEP290 protein (p.Arg1465Gln). This variant is present in population databases (rs576877716, gnomAD 0.007%). This variant has not been reported in the literature in individuals affected with CEP290-related conditions. ClinVar contains an entry for this variant (Variation ID: 1355747). An algorithm developed to predict the effect of missense changes on protein structure and function outputs the following: PolyPhen-2: "Benign". The glutamine amino acid residue is found in multiple mammalian species, which suggests that this missense change does not adversely affect protein function. In summary, the available evidence is currently insufficient to determine the role of this variant in disease. Therefore, it has been classified as a Variant of Uncertain Significance.

Ambry Genetics
Classification: Uncertain significance for Inborn genetic diseases. Last evaluated: 2024-10-06. Review status: criteria provided, single submitter. Criteria: Ambry Variant Classification Scheme 2023. Collection method: clinical testing. Allele origin: germline.